The following is an entry in ClinVar:

ClinVar aggregate classification (germline): Uncertain significance (1 of 4 stars; one submission).

Allele frequency attached by ClinVar (database versions not stated): gnomAD exomes 0.00001; gnomAD 0.00002; TOPMed 0.00003; ExAC 0.00004.
gnomAD v4.1: 11 of 1,551,554 alleles (0.00071%); highest among the groups gnomAD compares: South Asian, 0.0012%; no homozygotes.

Submission:

Labcorp Genetics (formerly Invitae), Labcorp
Classification: Uncertain significance. Last evaluated: 2021-11-10. Review status: criteria provided, single submitter. Criteria: Invitae Variant Classification Sherloc (09022015). Collection method: clinical testing. Allele origin: germline.
Comment: This sequence change replaces glutamine, which is neutral and polar, with leucine, which is neutral and non-polar, at codon 2305 of the UNC80 protein (p.Gln2305Leu). This variant is present in population databases (rs776052035, gnomAD 0.002%). This variant has not been reported in the literature in individuals affected with UNC80-related conditions. Algorithms developed to predict the effect of missense changes on protein structure and function are either unavailable or do not agree on the potential impact of this missense change (SIFT: "Not Available"; PolyPhen-2: "Benign"; Align-GVGD: "Not Available"). In summary, the available evidence is currently insufficient to determine the role of this variant in disease. Therefore, it has been classified as a Variant of Uncertain Significance.

NM_001371986.1(UNC80):c.7112A>T (p.Gln2371Leu)

Gene: UNC80 (unc-80 homolog, NALCN channel complex subunit; plus strand). Cytogenetic location: 2q34.
Variant type: single nucleotide variant.
Coding change: c.7112A>T on transcript NM_001371986.1 (MANE Select); coding-DNA position 7112, A replaced by T.
Protein change: p.Gln2371Leu; replaces glutamine 2371 with leucine.
Molecular consequence: missense variant.
Genome position (GRCh38, 1-based): chr2:209,945,112, A>T. VCF-style: chr2-209945112-A-T. GRCh37 (hg19) VCF-style: chr2-210809836-A-T.
Other names: c.6914A>T, p.Gln2305Leu (NM_032504.2); c.6899A>T, p.Gln2300Leu (NM_182587.4); short protein forms Q2300L, Q2371L, Q2305L.
Identifiers: ClinVar variation 1473784 (VCV001473784.3), dbSNP rs776052035, ClinGen allele CA2083440.
Genomic context (GRCh38, chr2:209,945,112, plus strand): 5'-ATGCTGCCAATAATGGGCCCAGCAAAGGTGTGTCAGCTCAGTGCCTGTTTGACTTGCTGC[A>T]GTCCCTAGAGGGAGAGACCACCGACATATTAGACATCTTAGAGCTGGTCAAAGCTGAGAA-3'
Protein context (NP_001358915.1, residues 2361-2381): VSAQCLFDLL[Gln2371Leu]SLEGETTDIL